The following is an entry in ClinVar:

ClinVar aggregate classification (germline): Likely benign (1 of 4 stars; one submission).

Submission:

CeGaT Center for Human Genetics Tuebingen
Classification: Likely benign. Last evaluated: 2025-02-01. Review status: criteria provided, single submitter. Criteria: CeGaT Center For Human Genetics Tuebingen Variant Classification Criteria Version 2. Collection method: clinical testing. Allele origin: germline. Affected: yes. Observed: 1 variant allele.
Comment: DYSF: PM2:Supporting, BP4, BP7

NM_001130987.2(DYSF):c.2142G>T (p.Leu714=)

Gene: DYSF (dysferlin; plus strand). Cytogenetic location: 2p13.2.
Variant type: single nucleotide variant.
Coding change: c.2142G>T on transcript NM_001130987.2 (MANE Select); coding-DNA position 2142, G replaced by T.
Protein change: p.Leu714=; no amino-acid change (leucine 714 retained).
Molecular consequence: synonymous variant.
Genome position (GRCh38, 1-based): chr2:71,555,997, G>T. VCF-style: chr2-71555997-G-T. GRCh37 (hg19) VCF-style: chr2-71783127-G-T.
Other names: c.2091G>T, p.Leu697= (NM_001130455.2, NM_001130983.2); c.2046G>T, p.Leu682= (NM_001130976.2, NM_001130977.2); c.2088G>T, p.Leu696= (NM_001130978.2, NM_003494.4); c.2181G>T, p.Leu727= (NM_001130979.2); c.2139G>T, p.Leu713= (NM_001130980.2, NM_001130981.2); c.2184G>T, p.Leu728= (NM_001130982.2); c.2049G>T, p.Leu683= (NM_001130984.2, NM_001130986.2); c.2142G>T, p.Leu714= (NM_001130985.2).
Identifiers: ClinVar variation 3771897 (VCV003771897.13).
Genomic context (GRCh38, chr2:71,555,997, plus strand): 5'-ACCTGACCCTTGCCTGCCCATTCCACAGGAAGCTGGCCTGGAGCAGGTCCACCTGGCCCT[G>T]AAGGCGCAGTGCTCCACGGAGGACGTGGACTCGCTGGTGGCTCAGCTGACGGATGAGCTC-3'
Protein context (NP_001124459.1, residues 704-724): EAGLEQVHLA[Leu714=]KAQCSTEDVD